The following is an entry in ClinVar:

ClinVar aggregate classification (germline): Uncertain significance. Review status: criteria provided, multiple submitters, no conflicts (2 of 4 stars). 2 submissions from 2 submitters: Uncertain significance (2). Last evaluated 2025-11-20.

Submissions (2):

Ambry Genetics
Classification: Uncertain significance. Last evaluated: 2025-11-20. Review status: criteria provided, single submitter. Criteria: Ambry Variant Classification Scheme 2023. Collection method: clinical testing. Allele origin: germline.

Labcorp Genetics (formerly Invitae), Labcorp
Classification: Uncertain significance. Last evaluated: 2022-02-21. Review status: criteria provided, single submitter. Criteria: Invitae Variant Classification Sherloc (09022015). Collection method: clinical testing. Allele origin: germline.
Comment: In summary, the available evidence is currently insufficient to determine the role of this variant in disease. Therefore, it has been classified as a Variant of Uncertain Significance. Algorithms developed to predict the effect of missense changes on protein structure and function are either unavailable or do not agree on the potential impact of this missense change (SIFT: "Deleterious"; PolyPhen-2: "Probably Damaging"; Align-GVGD: "Class C0"). This variant has not been reported in the literature in individuals affected with MYH7B-related conditions. The frequency data for this variant in the population databases is considered unreliable, as metrics indicate poor data quality at this position in the gnomAD database. This sequence change replaces alanine, which is neutral and non-polar, with threonine, which is neutral and polar, at codon 85 of the MYH7B protein (p.Ala85Thr).

NM_020884.7(MYH7B):c.127G>A (p.Ala43Thr)

Gene: MYH7B (myosin heavy chain 7B; plus strand). Cytogenetic location: 20q11.22.
Variant type: single nucleotide variant.
Coding change: c.127G>A on transcript NM_020884.7 (MANE Select); coding-DNA position 127, G replaced by A.
Protein change: p.Ala43Thr; replaces alanine 43 with threonine.
Molecular consequence: missense variant.
Genome position (GRCh38, 1-based): chr20:34,979,425, G>A. VCF-style: chr20-34979425-G-A. GRCh37 (hg19) VCF-style: chr20-33567228-G-A.
Other names: c.253G>A (NM_020884.3); short protein forms A43T.
Identifiers: ClinVar variation 1933609 (VCV001933609.6), dbSNP rs757047463, ClinGen allele CA9826315.